The following is an entry in ClinVar:

ClinVar aggregate classification (germline): Likely pathogenic. Review status: criteria provided, single submitter (1 of 4 stars). 2 submissions from 2 submitters: Likely pathogenic (1). 1 of the submissions does not count toward it. Last evaluated 2021-02-15.

Conditions:
CHARGE syndrome (CHARGE). Also called: Hittner Hirsch Kreh syndrome; CHARGE ASSOCIATION--COLOBOMA, HEART ANOMALY, CHOANAL ATRESIA, RETARDATION, GENITAL AND EAR ANOMALIES; Coloboma, heart anomaly, choanal atresia, retardation, genital and ear anomalies; CHARGE association; Hall-Hittner syndrome. Identifiers: Orphanet 138, MedGen C0265354, MONDO:0008965.

Submissions (2):

Genologica Medica
Classification: Likely pathogenic for CHD7-related CHARGE syndrome. Last evaluated: 2021-02-15. Review status: criteria provided, single submitter. Criteria: ACMG Guidelines, 2015. Collection method: clinical testing. Allele origin: de novo. Inheritance: Autosomal dominant inheritance. Affected: yes. Observed: 1 heterozygote.
Comment: The change detected in exon 6 of the SEMA3E gene leads to the substitution of an arginine for an aspartic acid in codon 208 of the protein and the change of the reading frame with the generation of a premature stop codon (p.Arg208Aspfs* 15), expecting a dysfunctional or absent protein product. This change has not been reported in population databases, as this region of the genome is well covered in these large cohort studies (genomAD). These variants have not been described in clinical databases in relation to pathology. Predictions from in silico algorithms that determine the possible impact of a change in protein structure and function are either unavailable or inconsistent, and no functional studies have been conducted in this regard. Therefore, based on the available evidence, we classify this alteration as a probably pathogenic variant.

OMIM
Classification: Uncertain significance for VARIANT OF UNKNOWN SIGNIFICANCE. Last evaluated: 2024-05-28. Review status: no assertion criteria provided. Collection method: literature only. Allele origin: germline. Not counted in ClinVar's aggregate classification.

Literature cited by the submitters: PubMed 35628442 (cited by OMIM).

NM_012431.3(SEMA3E):c.621del (p.Arg208fs)

Gene: SEMA3E (semaphorin 3E; minus strand). Cytogenetic location: 7q21.11.
Variant type: Deletion.
Coding change: c.621del on transcript NM_012431.3 (MANE Select); coding-DNA position 621, one base deleted (G; older notation c.621delG).
Protein change: p.Arg208fs; shifts the reading frame from arginine 208.
Molecular consequence: frameshift variant.
Genome position (GRCh38, 1-based): chr7:83,408,417, C deleted on the plus strand (G on the coding strand, the reverse complement: SEMA3E is on the minus strand); the first of 4 consecutive C bases (chr7:83,408,417-83,408,420); deleting any one gives the same sequence. VCF-style (leftmost placement, unchanged base first): chr7-83408416-GC-G. GRCh37 (hg19) VCF-style: chr7-83037732-GC-G.
Other names: c.441del, p.Arg148fs (NM_001178129.2); c.621delG (NM_012431.3); short protein forms R148fs, R208fs.
Identifiers: ClinVar variation 1339484 (VCV001339484.5), dbSNP rs2115654665, ClinGen allele CA2573052925.
Genomic context (GRCh38, chr7:83,408,416, plus strand): 5'-CCTCATCCTTACCTTTCAACAGACGCTCATCGTCATGCTCAGTGCGGATATGGGCCAGTC[GC>G]CCCATGCTGCGGAAGATCGCAGCGTCTCTGCTCCAGTAGTCACTGTAGAGTCCAGCAAAC-3'